The following is an entry in ClinVar:

NM_002047.4(GARS1):c.878C>T (p.Pro293Leu)

Gene: GARS1 (glycyl-tRNA synthetase 1; plus strand). Cytogenetic location: 7p14.3.
Variant type: single nucleotide variant.
Coding change: c.878C>T on transcript NM_002047.4 (MANE Select); coding-DNA position 878, C replaced by T.
Protein change: p.Pro293Leu; replaces proline 293 with leucine.
Molecular consequence: missense variant.
Genome position (GRCh38, 1-based): chr7:30,609,727, C>T. VCF-style: chr7-30609727-C-T. GRCh37 (hg19) VCF-style: chr7-30649343-C-T.
Other names: c.716C>T, p.Pro239Leu (NM_001316772.1); short protein forms P239L, P293L.
Identifiers: ClinVar variation 1948763 (VCV001948763.5), dbSNP rs910369471, ClinGen allele CA156049041.

ClinVar aggregate classification (germline): Uncertain significance (1 of 4 stars; one submission).

Conditions:
Charcot-Marie-Tooth disease type 2. Also called: Charcot-Marie-Tooth type 2. Identifiers: Orphanet 64746, MedGen C0270914, MONDO:0018993.

Allele frequency attached by ClinVar (database versions not stated): gnomAD exomes below 0.00001; TOPMed below 0.00001; gnomAD 0.00001.
gnomAD v4.1: 2 of 1,613,224 alleles (0.00012%); highest among the groups gnomAD compares: Admixed American, 0.0017%; no homozygotes.

Submission:

Labcorp Genetics (formerly Invitae), Labcorp
Classification: Uncertain significance for Charcot-Marie-Tooth disease type 2. Last evaluated: 2024-08-28. Review status: criteria provided, single submitter. Criteria: Invitae Variant Classification Sherloc (09022015). Collection method: clinical testing. Allele origin: germline.
Comment: This sequence change replaces proline, which is neutral and non-polar, with leucine, which is neutral and non-polar, at codon 293 of the GARS protein (p.Pro293Leu). This variant is not present in population databases (gnomAD no frequency). This variant has not been reported in the literature in individuals affected with GARS-related conditions. ClinVar contains an entry for this variant (Variation ID: 1948763). Invitae Evidence Modeling of protein sequence and biophysical properties (such as structural, functional, and spatial information, amino acid conservation, physicochemical variation, residue mobility, and thermodynamic stability) indicates that this missense variant is not expected to disrupt GARS protein function with a negative predictive value of 80%. In summary, the available evidence is currently insufficient to determine the role of this variant in disease. Therefore, it has been classified as a Variant of Uncertain Significance.